The following is an entry in ClinVar:

ClinVar aggregate classification (germline): Pathogenic (1 of 4 stars; one submission).

Conditions:
VPS13A-related neurodegenerative disease. Also called: ACANTHOCYTOSIS WITH NEUROLOGIC DISORDER; LEVINE-CRITCHLEY SYNDROME; Choreoacanthocytosis; Chorea-acanthocytosis; Choreaacanthocytosis; VPS13A Disease. Identifiers: Orphanet 2388, MedGen C0393576, MONDO:0008695, OMIM 200150.

Submission:

Myriad Genetics, Inc.
Classification: Pathogenic for VPS13A-related neurodegenerative disease. Last evaluated: 2025-06-26. Review status: criteria provided, single submitter. Criteria: Myriad Autosomal Dominant, Autosomal Recessive and X-Linked Classification Criteria (2023). Collection method: clinical testing. Allele origin: unknown.
Comment: NM_033305.2(VPS13A):c.4189dupA(S1397Kfs*5) is expected to be pathogenic in the context of VPS13A disease. This variant is predicted to lead to an abnormal or absent protein product due to the creation of a premature termination codon in VPS13A, a gene where loss-of-function variants are known to be pathogenic. Please note: this variant was assessed in the context of healthy population screening.

NM_033305.3(VPS13A):c.4189dup (p.Ser1397fs)

Gene: VPS13A (vacuolar protein sorting 13 homolog A; plus strand). Cytogenetic location: 9q21.2.
Variant type: Duplication.
Coding change: c.4189dup on transcript NM_033305.3 (MANE Select); coding-DNA position 4189, one base duplicated (A; older notation c.4189dupA).
Protein change: p.Ser1397fs; shifts the reading frame from serine 1397.
Molecular consequence: frameshift variant.
Genome position (GRCh38, 1-based): chr9:77,314,066, A duplicated; the last of 2 consecutive A bases (chr9:77,314,065-77,314,066); duplicating either gives the same sequence. VCF-style (leftmost placement, unchanged base first): chr9-77314064-T-TA. GRCh37 (hg19) VCF-style: chr9-79928980-T-TA.
Other names: c.4072dup, p.Ser1358fs (NM_001018037.2); c.4189dup, p.Ser1397fs (NM_001018038.3, NM_015186.4); short protein forms S1358fs, S1397fs.
Identifiers: ClinVar variation 5014645 (VCV005014645.1).
Genomic context (GRCh38, chr9:77,314,064, plus strand): 5'-TGACAGCTGCTGTGGTAGAAGTACATTCACGTGCCTTACTAGTTAAGACAACACTAAACA[T>TA]AAGCTTCAAAACTGATGATCTCACCATGGTGCTGTATAGTCCAGGTCCTAAACAGGTAAG-3'